The following is an entry in ClinVar:

ClinVar aggregate classification (germline): Conflicting classifications of pathogenicity. Review status: criteria provided, conflicting classifications (1 of 4 stars). 9 submissions from 9 submitters: Uncertain significance (8); Benign (1). Last evaluated 2026-02-02.

Conditions:
Aplastic anemia. Identifiers: Orphanet 182040, Orphanet 88, MedGen C0002874, MONDO:0015909, OMIM 609135, HP:0001915.
Familial hemophagocytic lymphohistiocytosis 2 (FHL2). Also called: PRF1-Related Familial Hemophagocytic Lymphohistiocytosis (PRF1-fHLH). Identifiers: Orphanet 540, MedGen C1863727, MONDO:0011337, OMIM 603553.
Lymphoma, non-Hodgkin, familial. Identifiers: MedGen C4721532, MONDO:0011508, OMIM 605027.
Autoinflammatory syndrome. Identifiers: Orphanet 93665, MedGen C3890737, MONDO:0019751.

Allele frequency attached by ClinVar (database versions not stated): 1000 Genomes Project 30x 0.00016; 1000 Genomes Project 0.00020; TOPMed 0.00031; gnomAD 0.00043 and 0.00057; ESP Exome Variant Server 0.00054; gnomAD exomes 0.00087 and 0.00114; ExAC 0.00134.

Submissions (9):

Labcorp Genetics (formerly Invitae), Labcorp
Classification: Benign for Familial hemophagocytic lymphohistiocytosis 2. Last evaluated: 2026-02-02. Review status: criteria provided, single submitter. Criteria: Invitae Variant Classification Sherloc (09022015). Collection method: clinical testing. Allele origin: germline.

Women's Health and Genetics/Laboratory Corporation of America, LabCorp
Classification: Uncertain significance. Last evaluated: 2025-10-21. Review status: criteria provided, single submitter. Criteria: LabCorp Variant Classification Summary - May 2015. Collection method: clinical testing. Allele origin: germline.
Comment: Variant summary: PRF1 c.82C>T (p.Arg28Cys) results in a non-conservative amino acid change located in the Membrane attack complex component/perforin (MACPF) domain (IPR020864) of the encoded protein sequence. Algorithms developed to predict the effect of missense changes on protein structure and function are either unavailable or do not agree on the potential impact of this missense change. The variant allele was found at a frequency of 0.0011 in 242388 control chromosomes, predominantly at a frequency of 0.0053 within the South Asian subpopulation in the gnomAD database, including 1 homozygotes. The observed variant frequency within South Asian control individuals in the gnomAD database exceeds the estimated maximal expected allele frequency for disease-causing variants in PRF1. c.82C>T has been reported in the literature in individuals affected with Hemophagocytic Lymphohistiocytosis (McCreary_2019, Shabrish_2021, Taieb_2021), Immune Thrombocytopenia (Boggio_2017) and Juvenile onset arthritis (Vastert_2010). These data indicate that the variant may be associated with disease. The following publications have been ascertained in the context of this evaluation (PMID: 31664448, 33746956, 27391055, 33658321, 20019066). ClinVar contains an entry for this variant (Variation ID: 598223). Based on the evidence outlined above, the variant was classified as VUS-possibly benign.

Blueprint Genetics
Classification: Uncertain significance. Last evaluated: 2024-11-27. Review status: criteria provided, single submitter. Criteria: ACMG Guidelines, 2015. Collection method: clinical testing. Allele origin: germline.

Mayo Clinic Laboratories, Mayo Clinic
Classification: Uncertain significance. Last evaluated: 2024-05-14. Review status: criteria provided, single submitter. Criteria: ACMG Guidelines, 2015. Collection method: clinical testing. Allele origin: germline. Observed: 1 variant allele.
Comment: BS1

Revvity Omics, Revvity
Classification: Uncertain significance. Last evaluated: 2022-05-10. Review status: criteria provided, single submitter. Criteria: ACMG Guidelines, 2015. Collection method: clinical testing. Allele origin: germline.

Institute for Clinical Genetics, University Hospital TU Dresden, University Hospital TU Dresden
Classification: Uncertain significance. Last evaluated: 2021-11-03. Review status: criteria provided, single submitter. Criteria: ACMG Guidelines, 2015. Collection method: clinical testing. Allele origin: germline.

Department of Pathology and Laboratory Medicine, Sinai Health System
Classification: Uncertain significance for Familial hemophagocytic lymphohistiocytosis 2; Lymphoma, non-Hodgkin, familial; Aplastic anemia. Last evaluated: 2020-06-30. Review status: criteria provided, single submitter. Criteria: ACMG Guidelines, 2015. Collection method: research. Allele origin: germline.

Genome Diagnostics Laboratory, The Hospital for Sick Children
Classification: Uncertain significance for Autoinflammatory syndrome. Last evaluated: 2020-05-01. Review status: criteria provided, single submitter. Criteria: ACMG Guidelines, 2015. Collection method: clinical testing. Allele origin: germline. Affected: yes.

Eurofins Ntd Llc (ga)
Classification: Uncertain significance. Last evaluated: 2018-08-08. Review status: criteria provided, single submitter. Criteria: EGL ClinVar v180209 classification definitions. Collection method: clinical testing. Allele origin: germline. Observed: 1 variant allele, 1 heterozygote.

Literature cited by the submitters: PubMed 31664448 (cited by Women's Health and Genetics/Laboratory Corporation of America, LabCorp and Mayo Clinic Laboratories, Mayo Clinic); PubMed 33746956 (cited by Women's Health and Genetics/Laboratory Corporation of America, LabCorp and Mayo Clinic Laboratories, Mayo Clinic); PubMed 27391055 (cited by Women's Health and Genetics/Laboratory Corporation of America, LabCorp and Mayo Clinic Laboratories, Mayo Clinic); PubMed 33658321 (cited by Women's Health and Genetics/Laboratory Corporation of America, LabCorp and Mayo Clinic Laboratories, Mayo Clinic); PubMed 20019066 (cited by Women's Health and Genetics/Laboratory Corporation of America, LabCorp and Mayo Clinic Laboratories, Mayo Clinic); PubMed 21674762 (cited by Mayo Clinic Laboratories, Mayo Clinic); PubMed 23734337 (cited by Mayo Clinic Laboratories, Mayo Clinic); PubMed 24309606 (cited by Mayo Clinic Laboratories, Mayo Clinic); PubMed 34117267 (cited by Mayo Clinic Laboratories, Mayo Clinic).

NM_001083116.3(PRF1):c.82C>T (p.Arg28Cys)

Gene: PRF1 (perforin 1; minus strand). Cytogenetic location: 10q22.1.
Variant type: single nucleotide variant.
Coding change: c.82C>T on transcript NM_001083116.3 (MANE Select); coding-DNA position 82, C replaced by T.
Protein change: p.Arg28Cys; replaces arginine 28 with cysteine.
Molecular consequence: missense variant.
Genome position (GRCh38, 1-based): chr10:70,600,821, G>A on the plus strand (C>T on the coding strand, the complement: PRF1 is on the minus strand). VCF-style: chr10-70600821-G-A. GRCh37 (hg19) VCF-style: chr10-72360577-G-A.
Other names: p.Arg28Cys; c.82C>T, p.Arg28Cys (NM_005041.6); short protein forms R28C.
Identifiers: ClinVar variation 598223 (VCV000598223.29), dbSNP rs141660796, ClinGen allele CA5539130.
Genomic context (GRCh38, chr10:70,600,821, plus strand): 5'-CACCCTCCCCGGCCAGCCATGCACCAGGCACGAACTTGTGGCTGCGCTTGCACTCTGAGC[G>A]TGCGGCTGTGTGGCACGGGGCAGGGACGGGCAGGGGCAGCAGCAGGAGAAGGATGCCCAG-3'
Protein context (NP_001076585.1, residues 18-38): PVPAPCHTAA[Arg28Cys]SECKRSHKFV